The following is an entry in ClinVar:

ClinVar aggregate classification (germline): Conflicting classifications of pathogenicity. Review status: criteria provided, conflicting classifications (1 of 4 stars). 8 submissions from 8 submitters: Uncertain significance (5); Benign (1). 2 of the submissions do not count toward it. Last evaluated 2025-11-06.

Conditions:
Hereditary breast ovarian cancer syndrome. Also called: Hereditary breast and ovarian cancer syndrome; Hereditary breast and/or ovarian cancer syndrome; BRCA1- and BRCA2-Associated Hereditary Breast and Ovarian Cancer; Hereditary breast and ovarian cancer syndrome (HBOC); Hereditary breast and ovarian cancer; Breast and ovarian cancer. Identifiers: Orphanet 145, MedGen C0677776, MeSH D061325, MONDO:0003582. Disease mechanism: loss of function.
Breast-ovarian cancer, familial, susceptibility to, 2 (BROVCA2). Also called: BRCA2 Hereditary Breast and Ovarian Cancer. Identifiers: Orphanet 145, MedGen C2675520, MONDO:0012933, OMIM 612555. Disease mechanism: loss of function.
Hereditary cancer-predisposing syndrome. Also called: Hereditary neoplastic syndrome; Neoplastic Syndromes, Hereditary; Tumor predisposition; Hereditary Cancer Syndrome. Identifiers: Orphanet 140162, MedGen C0027672, MeSH D009386, MONDO:0015356.

gnomAD v4.1: 8 of 1,613,252 alleles (0.0005%); highest among the groups gnomAD compares: African/African-American, 0.0013%; no homozygotes.

Submissions (8):

Ambry Genetics
Classification: Benign for Hereditary cancer-predisposing syndrome. Last evaluated: 2025-11-06. Review status: criteria provided, single submitter. Criteria: Ambry Variant Classification Scheme 2023. Collection method: clinical testing. Allele origin: germline.

Labcorp Genetics (formerly Invitae), Labcorp
Classification: Uncertain significance for Hereditary breast ovarian cancer syndrome. Last evaluated: 2025-07-13. Review status: criteria provided, single submitter. Criteria: Invitae Variant Classification Sherloc (09022015). Collection method: clinical testing. Allele origin: germline.
Comment: This sequence change replaces alanine, which is neutral and non-polar, with serine, which is neutral and polar, at codon 2351 of the BRCA2 protein (p.Ala2351Ser). This variant is present in population databases (no rsID available, gnomAD 0.0009%). This variant has not been reported in the literature in individuals affected with BRCA2-related conditions. ClinVar contains an entry for this variant (Variation ID: 409502). Invitae Evidence Modeling of protein sequence and biophysical properties (such as structural, functional, and spatial information, amino acid conservation, physicochemical variation, residue mobility, and thermodynamic stability) indicates that this missense variant is not expected to disrupt BRCA2 protein function with a negative predictive value of 95%. Experimental studies have shown that this missense change does not substantially affect BRCA2 function (PMID: 37922907). In summary, the available evidence is currently insufficient to determine the role of this variant in disease. Therefore, it has been classified as a Variant of Uncertain Significance.

Quest Diagnostics Nichols Institute San Juan Capistrano
Classification: Uncertain significance. Last evaluated: 2025-03-18. Review status: criteria provided, single submitter. Criteria: Quest Diagnostics criteria. Collection method: clinical testing. Allele origin: unknown.
Comment: The BRCA2 c.7051G>T (p.Ala2351Ser) variant has been reported in the published literature in individuals with breast cancer and healthy individuals in a large-scale breast cancer association study (PMID: 33471991 (2021), see also LOVD), and in a cohort of prostate cancer patients (PMID: 36922933 (2022)). Assessment of experimental evidence regarding the effect of this variant on protein function is inconclusive (PMID: 29884841 (2019), 37922907 (2023)). The frequency of this variant in the general population (Genome Aggregation Database) is uninformative in the assessment of its pathogenicity. Analysis of this variant using bioinformatics tools for the prediction of the effect of amino acid changes on protein structure and function yielded predictions that this variant is benign. Based on the available information, we are unable to determine the clinical significance of this variant.

Color Diagnostics, LLC DBA Color Health
Classification: Uncertain significance for Hereditary cancer-predisposing syndrome. Last evaluated: 2024-03-25. Review status: criteria provided, single submitter. Criteria: ACMG Guidelines, 2015. Collection method: clinical testing. Allele origin: germline.
Comment: This missense variant replaces alanine with serine at codon 2351 of the BRCA2 protein. Computational prediction suggests that this variant may not impact protein structure and function. A functional study in mouse embryonic stem cells showed that this variant did not impact cell viability or drug sensitivity (PMID: 37922907). In a large breast cancer case-control study conducted by the BRIDGES consortium, this variant was reported in 1/60466 cases and 1/53461 unaffected controls, showing inconclusive association with disease (OR=0.884 (95%CI 0.055 to 14.136); p-value=1; Leiden Open Variation Database DB-ID BRCA2_001274) (PMID: 33471991). This variant has been identified in 1/250694 chromosomes in the general population by the Genome Aggregation Database (gnomAD). The available evidence is insufficient to determine the role of this variant in disease conclusively. Therefore, this variant is classified as a Variant of Uncertain Significance.

All of Us Research Program, National Institutes of Health
Classification: Uncertain significance for Breast-ovarian cancer, familial, susceptibility to, 2. Last evaluated: 2023-09-05. Review status: criteria provided, single submitter. Criteria: ACMG Guidelines, 2015. Collection method: clinical testing. Allele origin: germline. Inheritance: Autosomal dominant inheritance. Observed: 1 variant allele, 1 heterozygote.
Comment: This missense variant replaces alanine with serine at codon 2351 of the BRCA2 protein. Computational prediction suggests that this variant may not impact protein structure and function (internally defined REVEL score threshold <= 0.5, PMID: 27666373). To our knowledge, functional studies have not been reported for this variant. In a large breast cancer case-control study conducted by the BRIDGES consortium, this variant was reported in 1/60466 cases and 1/53461 unaffected controls, showing inconclusive association with disease (OR=0.884 (95%CI 0.055 to 14.136); p-value=1; Leiden Open Variation Database DB-ID BRCA2_001274) (PMID: 33471991). This variant has been identified in 1/250694 chromosomes in the general population by the Genome Aggregation Database (gnomAD). The available evidence is insufficient to determine the role of this variant in disease conclusively. Therefore, this variant is classified as a Variant of Uncertain Significance.

This study involves interpretation of variants in research participants for the purpose of population health screening. Participant phenotype was not available at the time of variant classification. Additional details can be found in publication PMID: 35346344, PMCID: PMC8962531

GeneDx
Classification: Uncertain significance. Last evaluated: 2023-04-03. Review status: criteria provided, single submitter. Criteria: GeneDx Variant Classification Process June 2021. Collection method: clinical testing. Allele origin: germline. Affected: yes.
Comment: Not observed at significant frequency in large population cohorts (gnomAD); In silico analysis supports that this missense variant does not alter protein structure/function; Has not been previously published as pathogenic or benign to our knowledge; Also known as 7279G>T; This variant is associated with the following publications: (PMID: 32377563, 29884841)

Diagnostic Laboratory, Department of Genetics, University Medical Center Groningen
Classification: Likely benign. Review status: no assertion criteria provided. Collection method: clinical testing. Allele origin: germline. Affected: yes. Study: VKGL Data-share Consensus. Not counted in ClinVar's aggregate classification.

Genome Diagnostics Laboratory, University Medical Center Utrecht
Classification: Likely benign. Review status: no assertion criteria provided. Collection method: clinical testing. Allele origin: germline. Affected: yes. Study: VKGL Data-share Consensus. Not counted in ClinVar's aggregate classification.

Literature cited by the submitters: PubMed 33471991 (cited by 4 submitters); PubMed 37922907 (cited by 3 submitters); PubMed 31911673 (cited by Quest Diagnostics Nichols Institute San Juan Capistrano); PubMed 35585550 (cited by Quest Diagnostics Nichols Institute San Juan Capistrano); PubMed 36922933 (cited by Quest Diagnostics Nichols Institute San Juan Capistrano); PubMed 35729312 (cited by Quest Diagnostics Nichols Institute San Juan Capistrano); PubMed 29884841 (cited by Quest Diagnostics Nichols Institute San Juan Capistrano).

NM_000059.4(BRCA2):c.7051G>T (p.Ala2351Ser)

Gene: BRCA2 (BRCA2 DNA repair associated; plus strand). Cytogenetic location: 13q13.1.
Variant type: single nucleotide variant.
Coding change: c.7051G>T on transcript NM_000059.4 (MANE Select); coding-DNA position 7051, G replaced by T.
Protein change: p.Ala2351Ser; replaces alanine 2351 with serine.
Molecular consequence: missense variant.
Genome position (GRCh38, 1-based): chr13:32,354,904, G>T. VCF-style: chr13-32354904-G-T. GRCh37 (hg19) VCF-style: chr13-32929041-G-T.
Other names: short protein forms A2351S.
Identifiers: ClinVar variation 409502 (VCV000409502.31), dbSNP rs80358930, ClinGen allele CA16613928.